The following is an entry in ClinVar:

NM_004186.5(SEMA3F):c.1915T>C (p.Phe639Leu)

Gene: SEMA3F (semaphorin 3F; plus strand). Cytogenetic location: 3p21.31.
Variant type: single nucleotide variant.
Coding change: c.1915T>C on transcript NM_004186.5 (MANE Select); coding-DNA position 1915, T replaced by C.
Protein change: p.Phe639Leu; replaces phenylalanine 639 with leucine.
Molecular consequence: missense variant.
Genome position (GRCh38, 1-based): chr3:50,186,714, T>C. VCF-style: chr3-50186714-T-C. GRCh37 (hg19) VCF-style: chr3-50224147-T-C.
Other names: c.1618T>C, p.Phe540Leu (NM_001318798.2); c.1822T>C, p.Phe608Leu (NM_001318800.2); c.1915T>C (NM_004186.3); short protein forms F540L, F608L, F639L.
Identifiers: ClinVar variation 3354739 (VCV003354739.2).
Genomic context (GRCh38, chr3:50,186,714, plus strand): 5'-GGCAGCGCAGCCTTCCTTGAGTGCCAGCCCCGCTCGCCCCAAGCCACTGTTAAGTGGCTG[T>C]TCCAGCGAGATCCTGGTGACCGGCGCCGAGAGGTGAGTTCCTGCGCCCGGTGCTGCACCG-3'
Protein context (NP_004177.3, residues 629-649): RSPQATVKWL[Phe639Leu]QRDPGDRRRE

ClinVar aggregate classification (germline): Uncertain significance. Review status: criteria provided, single submitter (1 of 4 stars). 2 submissions from 2 submitters: Uncertain significance (1). 1 of the submissions does not count toward it. Last evaluated 2025-08-26.

Conditions:
SEMA3F-related disorder. Also called: SEMA3F-related condition.

gnomAD v4.1: 60 of 1,607,918 alleles (0.0037%); highest among the groups gnomAD compares: Non-Finnish European, 0.0049%; no homozygotes.

Submissions (2):

Ambry Genetics
Classification: Uncertain significance. Last evaluated: 2025-08-26. Review status: criteria provided, single submitter. Criteria: Ambry Variant Classification Scheme 2023. Collection method: clinical testing. Allele origin: germline.

PreventionGenetics, part of Exact Sciences
Classification: Uncertain significance for SEMA3F-related condition. Last evaluated: 2024-01-31. Review status: no assertion criteria provided. Collection method: clinical testing. Allele origin: germline. Not counted in ClinVar's aggregate classification.
Comment: The SEMA3F c.1915T>C variant is predicted to result in the amino acid substitution p.Phe639Leu. To our knowledge, this variant has not been reported in the literature. This variant is reported in 0.0035% of alleles in individuals of European (Non-Finnish) descent in gnomAD. At this time, the clinical significance of this variant is uncertain due to the absence of conclusive functional and genetic evidence.